The following is an entry in ClinVar:

NM_020754.4(ARHGAP31):c.2039G>A (p.Ser680Asn)

Gene: ARHGAP31 (Rho GTPase activating protein 31; plus strand). Cytogenetic location: 3q13.33.
Variant type: single nucleotide variant.
Coding change: c.2039G>A on transcript NM_020754.4 (MANE Select); coding-DNA position 2039, G replaced by A.
Protein change: p.Ser680Asn; replaces serine 680 with asparagine.
Molecular consequence: missense variant.
Genome position (GRCh38, 1-based): chr3:119,413,968, G>A. VCF-style: chr3-119413968-G-A. GRCh37 (hg19) VCF-style: chr3-119132815-G-A.
Other names: short protein forms S680N.
Identifiers: ClinVar variation 3423013 (VCV003423013.3).
Genomic context (GRCh38, chr3:119,413,968, plus strand): 5'-TGAAAATCATTGAATCTGAGGAGGAGCTCTCATCGTTGCCACCTCCTGCTCTGAAGACCA[G>A]CCCAATTCAGCCTATTCTCGAGTCGAGTCTGGGGCCCTTTATTCCCTCAGAGCCTCCTGG-3'
Protein context (NP_065805.2, residues 670-690): SSLPPPALKT[Ser680Asn]PIQPILESSL

ClinVar aggregate classification (germline): Uncertain significance. Review status: criteria provided, multiple submitters, no conflicts (2 of 4 stars). 2 submissions from 2 submitters: Uncertain significance (2). Last evaluated 2024-07-03.

Conditions:
Inborn genetic diseases. Identifiers: MedGen C0950123, MeSH D030342.

gnomAD v4.1: 17 of 1,614,062 alleles (0.0011%); highest among the groups gnomAD compares: African/African-American, 0.023%; no homozygotes.

Submissions (2):

Ambry Genetics
Classification: Uncertain significance for Inborn genetic diseases. Last evaluated: 2024-07-03. Review status: criteria provided, single submitter. Criteria: Ambry Variant Classification Scheme 2023. Collection method: clinical testing. Allele origin: germline.

Labcorp Genetics (formerly Invitae), Labcorp
Classification: Uncertain significance. Last evaluated: 2024-06-26. Review status: criteria provided, single submitter. Criteria: Invitae Variant Classification Sherloc (09022015). Collection method: clinical testing. Allele origin: germline.
Comment: This sequence change replaces serine, which is neutral and polar, with asparagine, which is neutral and polar, at codon 680 of the ARHGAP31 protein (p.Ser680Asn). This variant is present in population databases (rs369125201, gnomAD 0.03%). This variant has not been reported in the literature in individuals affected with ARHGAP31-related conditions. Algorithms developed to predict the effect of missense changes on protein structure and function output the following: SIFT: "Not Available"; PolyPhen-2: "Benign"; Align-GVGD: "Not Available". The asparagine amino acid residue is found in multiple mammalian species, which suggests that this missense change does not adversely affect protein function. In summary, the available evidence is currently insufficient to determine the role of this variant in disease. Therefore, it has been classified as a Variant of Uncertain Significance.